The following is an entry in ClinVar:

ClinVar aggregate classification (germline): Uncertain significance. Review status: criteria provided, multiple submitters, no conflicts (2 of 4 stars). 3 submissions from 3 submitters: Uncertain significance (3). Last evaluated 2024-02-17.

Conditions:
Adenylosuccinate lyase deficiency (ADSLD). Also called: ADSL DEFICIENCY. Identifiers: Orphanet 46, MedGen C0268126, MONDO:0007068, OMIM 103050.

Allele frequency attached by ClinVar (database versions not stated): ExAC 0.00001; TOPMed 0.00002.
gnomAD v4.1: 8 of 1,614,222 alleles (0.0005%); highest among the groups gnomAD compares: Admixed American, 0.01%; no homozygotes.

Submissions (3):

Labcorp Genetics (formerly Invitae), Labcorp
Classification: Uncertain significance for Adenylosuccinate lyase deficiency. Last evaluated: 2024-02-17. Review status: criteria provided, single submitter. Criteria: Invitae Variant Classification Sherloc (09022015). Collection method: clinical testing. Allele origin: germline.
Comment: This sequence change replaces isoleucine, which is neutral and non-polar, with leucine, which is neutral and non-polar, at codon 403 of the ADSL protein (p.Ile403Leu). This variant is present in population databases (rs754714101, gnomAD 0.02%). This variant has not been reported in the literature in individuals affected with ADSL-related conditions. ClinVar contains an entry for this variant (Variation ID: 193966). Advanced modeling of protein sequence and biophysical properties (such as structural, functional, and spatial information, amino acid conservation, physicochemical variation, residue mobility, and thermodynamic stability) performed at Invitae indicates that this missense variant is not expected to disrupt ADSL protein function with a negative predictive value of 80%. In summary, the available evidence is currently insufficient to determine the role of this variant in disease. Therefore, it has been classified as a Variant of Uncertain Significance.

Mayo Clinic Laboratories, Mayo Clinic
Classification: Uncertain significance. Last evaluated: 2022-05-17. Review status: criteria provided, single submitter. Criteria: ACMG Guidelines, 2015. Collection method: clinical testing. Allele origin: germline. Observed: 1 variant allele.
Comment: PM2

Eurofins Ntd Llc (ga)
Classification: Uncertain significance. Last evaluated: 2015-02-14. Review status: criteria provided, single submitter. Criteria: EGL Classification Definitions 2015. Collection method: clinical testing. Allele origin: germline. Observed: 1 variant allele, 1 heterozygote.

NM_000026.4(ADSL):c.1207A>C (p.Ile403Leu)

Gene: ADSL (adenylosuccinate lyase; plus strand). Cytogenetic location: 22q13.1.
Variant type: single nucleotide variant.
Coding change: c.1207A>C on transcript NM_000026.4 (MANE Select); coding-DNA position 1207, A replaced by C.
Protein change: p.Ile403Leu; replaces isoleucine 403 with leucine.
Molecular consequence: missense variant. On other transcripts: non-coding transcript variant (1), intron variant (1).
Genome position (GRCh38, 1-based): chr22:40,364,895, A>C. VCF-style: chr22-40364895-A-C. GRCh37 (hg19) VCF-style: chr22-40760899-A-C.
Other names: p.Ile403Leu; c.1207A>C (NM_000026.3); c.1015A>C, p.Ile339Leu (NM_001317923.2); c.1207A>C, p.Ile403Leu (NM_001363840.3); c.1191+530A>C (NM_001123378.3); short protein forms I403L, I339L.
Identifiers: ClinVar variation 193966 (VCV000193966.12), dbSNP rs754714101, ClinGen allele CA239717.